The following is an entry in ClinVar:

NM_002890.3(RASA1):c.2120G>A (p.Arg707His)

Genes: CCNH (cyclin H; minus strand), RASA1 (RAS p21 protein activator 1; plus strand). Cytogenetic location: 5q14.3.
Variant type: single nucleotide variant.
Coding change: c.2120G>A on transcript NM_002890.3 (MANE Select); coding-DNA position 2120, G replaced by A.
Protein change: p.Arg707His; replaces arginine 707 with histidine.
Molecular consequence: missense variant. On other transcripts: intron variant (1).
Genome position (GRCh38, 1-based): chr5:87,376,501, G>A. VCF-style: chr5-87376501-G-A. GRCh37 (hg19) VCF-style: chr5-86672318-G-A.
Other names: c.1589G>A, p.Arg530His (NM_022650.3); c.933+18543C>T (NM_001364075.2); short protein forms R530H, R707H.
Identifiers: ClinVar variation 3053238 (VCV003053238.3), dbSNP rs2531347783, ClinGen allele CA360379116.

ClinVar aggregate classification (germline): Uncertain significance. Review status: criteria provided, single submitter (1 of 4 stars). 2 submissions from 2 submitters: Uncertain significance (1). 1 of the submissions does not count toward it. Last evaluated 2024-09-13.

Conditions:
Capillary malformation-arteriovenous malformation 1 (CMAVM1). Identifiers: Orphanet 137667, Orphanet 693907, MedGen C4747394, MONDO:0020783, OMIM 608354.
RASA1-related disorder. Also called: RASA1-related condition.

Submissions (2):

Clinical Genomics Laboratory, Washington University in St. Louis
Classification: Uncertain significance for Capillary malformation-arteriovenous malformation 1. Last evaluated: 2024-09-13. Review status: criteria provided, single submitter. Criteria: ACMG Guidelines, 2015. Collection method: clinical testing. Allele origin: germline.
Comment: A RASA1 c.2120G>A (p.Arg707His) variant was identified at a heterozygous allelic fraction of 52.3%, a frequency which may be consistent with germline origin. This variant, to our knowledge, has not been reported in the medical literature and is classified as a variant of uncertain significance by one submitter in the ClinVar database (ClinVar ID: 3053238). It is absent from the general population database (gnomAD v.4.1.0), indicating that it is not a common variant. Computational predictors indicate that the variant is deleterious, evidence that it correlates with impact to protein function. Due to limited information, and based on the ACMG/AMP guidelines for variant interpretation (Richards S et al., PMID: 25741868), the RASA1 c.2120G>A (p.Arg707His) variant is classified as a variant of uncertain significance at this time.

PreventionGenetics, part of Exact Sciences
Classification: Uncertain significance for RASA1-related condition. Last evaluated: 2023-11-08. Review status: no assertion criteria provided. Collection method: clinical testing. Allele origin: germline. Not counted in ClinVar's aggregate classification.
Comment: The RASA1 c.2120G>A variant is predicted to result in the amino acid substitution p.Arg707His. To our knowledge, this variant has not been reported in the literature or in a large population database, indicating this variant is rare. At this time, the clinical significance of this variant is uncertain due to the absence of conclusive functional and genetic evidence.